The following is an entry in ClinVar:

NM_198253.3(TERT):c.3361C>G (p.Pro1121Ala)

Gene: TERT (telomerase reverse transcriptase; minus strand). Cytogenetic location: 5p15.33.
Variant type: single nucleotide variant.
Coding change: c.3361C>G on transcript NM_198253.3 (MANE Select); coding-DNA position 3361, C replaced by G.
Protein change: p.Pro1121Ala; replaces proline 1121 with alanine.
Molecular consequence: missense variant. On other transcripts: non-coding transcript variant (2).
Genome position (GRCh38, 1-based): chr5:1,253,766, G>C on the plus strand (C>G on the coding strand, the complement: TERT is on the minus strand). VCF-style: chr5-1253766-G-C. GRCh37 (hg19) VCF-style: chr5-1253881-G-C.
Other names: c.3172C>G, p.Pro1058Ala (NM_001193376.3); c.3361C>G, p.Pro1121Ala (NM_003219.1); short protein forms P1121A, P1058A.
Identifiers: ClinVar variation 2929792 (VCV002929792.4), dbSNP rs2478065885, ClinGen allele CA359066604.
Genomic context (GRCh38, chr5:1,253,766, plus strand): 5'-CCTGGCTGTGGGCGGGTGGCCATCAGTCCAGGATGGTCTTGAAGTCTGAGGGCAGTGCCG[G>C]GTTGGCTGCGGCCTCCAGGGCAGTCAGCGTCGTCCCCGGGAGCTTCCGACTCAGCTGCGT-3'
Protein context (NP_937983.2, residues 1111-1131): TLTALEAAAN[Pro1121Ala]ALPSDFKTIL

ClinVar aggregate classification (germline): Uncertain significance. Review status: criteria provided, multiple submitters, no conflicts (2 of 4 stars). 2 submissions from 2 submitters: Uncertain significance (2). Last evaluated 2024-09-26.

Conditions:
Idiopathic Pulmonary Fibrosis. Also called: Idiopathic fibrosing alveolitis, chronic form; idiopathic fibrosing alveolitis. Identifiers: Orphanet 2032, MedGen C1800706, MeSH D054990, MONDO:0800504.
Dyskeratosis congenita, autosomal dominant 2. Identifiers: MedGen C3151443, MONDO:0013521, OMIM 613989.
Dyskeratosis congenita. Identifiers: Orphanet 1775, MedGen C0265965, MONDO:0015780.

Submissions (2):

Ambry Genetics
Classification: Uncertain significance for Dyskeratosis congenita. Last evaluated: 2024-09-26. Review status: criteria provided, single submitter. Criteria: Ambry Variant Classification Scheme 2023. Collection method: clinical testing. Allele origin: germline.
Comment: The p.P1121A variant (also known as c.3361C>G), located in coding exon 16 of the TERT gene, results from a C to G substitution at nucleotide position 3361. The proline at codon 1121 is replaced by alanine, an amino acid with highly similar properties. This amino acid position is conserved. In addition, the in silico prediction for this alteration is inconclusive. Based on the available evidence, the clinical significance of this variant remains unclear.

Labcorp Genetics (formerly Invitae), Labcorp
Classification: Uncertain significance for Dyskeratosis congenita, autosomal dominant 2; Idiopathic Pulmonary Fibrosis. Last evaluated: 2023-11-24. Review status: criteria provided, single submitter. Criteria: Invitae Variant Classification Sherloc (09022015). Collection method: clinical testing. Allele origin: germline.
Comment: This sequence change replaces proline, which is neutral and non-polar, with alanine, which is neutral and non-polar, at codon 1121 of the TERT protein (p.Pro1121Ala). This variant is not present in population databases (gnomAD no frequency). This variant has not been reported in the literature in individuals affected with TERT-related conditions. Advanced modeling of protein sequence and biophysical properties (such as structural, functional, and spatial information, amino acid conservation, physicochemical variation, residue mobility, and thermodynamic stability) performed at Invitae indicates that this missense variant is expected to disrupt TERT protein function with a positive predictive value of 95%. In summary, the available evidence is currently insufficient to determine the role of this variant in disease. Therefore, it has been classified as a Variant of Uncertain Significance.